The following is an entry in ClinVar:

ClinVar aggregate classification (germline): Uncertain significance. Review status: criteria provided, multiple submitters, no conflicts (2 of 4 stars). 3 submissions from 3 submitters: Uncertain significance (3). Last evaluated 2021-10-05.

Conditions:
Cardiovascular phenotype. Identifiers: MedGen CN230736.
Long QT syndrome (LQTS). Identifiers: MedGen C0023976, MeSH D008133, MONDO:0002442. Disease mechanism: loss of function. Inheritance: Various modes of inheritance.
Long QT syndrome 11 (LQT11). Identifiers: Orphanet 101016, Orphanet 768, MedGen C2678483, MONDO:0012738, OMIM 611820.

Submissions (3):

Fulgent Genetics
Classification: Uncertain significance for Long QT syndrome 11. Last evaluated: 2021-10-05. Review status: criteria provided, single submitter. Criteria: ACMG Guidelines, 2015. Collection method: clinical testing. Allele origin: unknown.

Ambry Genetics
Classification: Uncertain significance for Cardiovascular phenotype. Last evaluated: 2021-02-03. Review status: criteria provided, single submitter. Criteria: Ambry Variant Classification Scheme 2023. Collection method: clinical testing. Allele origin: germline.
Comment: The p.L2536F variant (also known as c.7606C>T), located in coding exon 31 of the AKAP9 gene, results from a C to T substitution at nucleotide position 7606. The leucine at codon 2536 is replaced by phenylalanine, an amino acid with highly similar properties. This amino acid position is well conserved in available vertebrate species; however, phenylalanine is the reference amino acid in other vertebrate species. In addition, this alteration is predicted to be tolerated by in silico analysis. Since supporting evidence is limited at this time, the clinical significance of this alteration remains unclear.

Labcorp Genetics (formerly Invitae), Labcorp
Classification: Uncertain significance for Long QT syndrome. Last evaluated: 2017-07-04. Review status: criteria provided, single submitter. Criteria: Invitae Variant Classification Sherloc (09022015). Collection method: clinical testing. Allele origin: germline.
Comment: In summary, the available evidence is currently insufficient to determine the role of this variant in disease. Therefore, it has been classified as a Variant of Uncertain Significance. Algorithms developed to predict the effect of missense changes on protein structure and function output the following: SIFT: "Tolerated"; PolyPhen-2: "Benign"; Align-GVGD: "Class C0". The phenylalanine amino acid residue is found in multiple mammalian species, suggesting that this missense change does not adversely affect protein function. These predictions have not been confirmed by published functional studies and their clinical significance is uncertain. This variant has not been reported in the literature in individuals with AKAP9-related disease. This variant is not present in population databases (ExAC no frequency). This sequence change replaces leucine with phenylalanine at codon 2536 of the AKAP9 protein (p.Leu2536Phe). The leucine residue is moderately conserved and there is a small physicochemical difference between leucine and phenylalanine.

NM_005751.5(AKAP9):c.7606C>T (p.Leu2536Phe)

Gene: AKAP9 (A-kinase anchoring protein 9; plus strand). Cytogenetic location: 7q21.2.
Variant type: single nucleotide variant.
Coding change: c.7606C>T on transcript NM_005751.5 (MANE Select); coding-DNA position 7606, C replaced by T.
Protein change: p.Leu2536Phe; replaces leucine 2536 with phenylalanine.
Molecular consequence: missense variant.
Genome position (GRCh38, 1-based): chr7:92,079,739, C>T. VCF-style: chr7-92079739-C-T. GRCh37 (hg19) VCF-style: chr7-91709053-C-T.
Other names: c.2251C>T, p.Leu751Phe (NM_001379277.1); c.7582C>T, p.Leu2528Phe (NM_147185.3); short protein forms L2536F, L2528F, L751F.
Identifiers: ClinVar variation 457121 (VCV000457121.11), dbSNP rs1554451226, ClinGen allele CA368136118.